The following is an entry in ClinVar:

ClinVar aggregate classification (germline): Likely pathogenic. Review status: criteria provided, single submitter (1 of 4 stars). 2 submissions from 2 submitters: Likely pathogenic (1). 1 of the submissions does not count toward it. Last evaluated 2025-01-13.

Conditions:
Hereditary spastic paraplegia 3A (SPG3A). Also called: SPG3; STRUMPELL DISEASE; SPASTIC PARAPLEGIA 3, AUTOSOMAL DOMINANT; FAMILIAL SPASTIC PARAPLEGIA, AUTOSOMAL DOMINANT, 1; Spastic Paraplegia 3A; Spastic paraplegia 3A, autosomal dominant. Identifiers: Orphanet 100984, MedGen C2931355, MONDO:0008437, OMIM 182600.

Submissions (2):

Labcorp Genetics (formerly Invitae), Labcorp
Classification: Likely pathogenic for Hereditary spastic paraplegia 3A. Last evaluated: 2025-01-13. Review status: criteria provided, single submitter. Criteria: Invitae Variant Classification Sherloc (09022015). Collection method: clinical testing. Allele origin: germline.
Comment: This sequence change replaces phenylalanine, which is neutral and non-polar, with leucine, which is neutral and non-polar, at codon 413 of the ATL1 protein (p.Phe413Leu). This variant is not present in population databases (gnomAD no frequency). This missense change has been observed in individuals with hereditary spastic paraplegia (PMID: 15596607, 34782662; internal data). It has also been observed to segregate with disease in related individuals. ClinVar contains an entry for this variant (Variation ID: 2571513). Invitae Evidence Modeling of protein sequence and biophysical properties (such as structural, functional, and spatial information, amino acid conservation, physicochemical variation, residue mobility, and thermodynamic stability) has been performed for this missense variant. However, the output from this modeling did not meet the statistical confidence thresholds required to predict the impact of this variant on ATL1 protein function. This variant disrupts the p.Phe413 amino acid residue in ATL1. Other variant(s) that disrupt this residue have been observed in individuals with ATL1-related conditions (PMID: 15596607, 20932283), which suggests that this may be a clinically significant amino acid residue. In summary, the currently available evidence indicates that the variant is pathogenic, but additional data are needed to prove that conclusively. Therefore, this variant has been classified as Likely Pathogenic.

Inherited Neuropathy Consortium Ii, University Of Miami
Classification: Uncertain significance for Hereditary spastic paraplegia 3A. Last evaluated: 2016-01-06. Review status: no assertion criteria provided. Collection method: literature only. Allele origin: germline. Affected: yes. Not counted in ClinVar's aggregate classification.

Literature cited by the submitters: PubMed 15596607 (cited by Labcorp Genetics (formerly Invitae), Labcorp); PubMed 34782662 (cited by Labcorp Genetics (formerly Invitae), Labcorp); PubMed 20932283 (cited by Labcorp Genetics (formerly Invitae), Labcorp); PubMed 18256395 (cited by Inherited Neuropathy Consortium Ii, University Of Miami).

NM_015915.5(ATL1):c.1237T>C (p.Phe413Leu)

Gene: ATL1 (atlastin GTPase 1; plus strand). Cytogenetic location: 14q22.1.
Variant type: single nucleotide variant.
Coding change: c.1237T>C on transcript NM_015915.5 (MANE Select); coding-DNA position 1237, T replaced by C.
Protein change: p.Phe413Leu; replaces phenylalanine 413 with leucine.
Molecular consequence: missense variant.
Genome position (GRCh38, 1-based): chr14:50,628,148, T>C. VCF-style: chr14-50628148-T-C. GRCh37 (hg19) VCF-style: chr14-51094866-T-C.
Other names: c.1237T>C, p.Phe413Leu (NM_001127713.1, NM_181598.4); short protein forms F413L.
Identifiers: ClinVar variation 2571513 (VCV002571513.3), dbSNP rs2504577368, ClinGen allele CA389675835.